The following is an entry in ClinVar:

ClinVar aggregate classification (germline): Uncertain significance (1 of 4 stars; one submission).

Submission:

GeneDx
Classification: Uncertain significance. Last evaluated: 2024-09-17. Review status: criteria provided, single submitter. Criteria: GeneDx Variant Classification Process June 2021. Collection method: clinical testing. Allele origin: germline. Affected: yes.
Comment: Not observed at significant frequency in large population cohorts (gnomAD); In silico analysis supports that this missense variant has a deleterious effect on protein structure/function; Has not been previously published as pathogenic or benign to our knowledge

NM_021625.5(TRPV4):c.2303C>G (p.Ser768Trp)

Gene: TRPV4 (transient receptor potential cation channel subfamily V member 4; minus strand). Cytogenetic location: 12q24.11.
Variant type: single nucleotide variant.
Coding change: c.2303C>G on transcript NM_021625.5 (MANE Select); coding-DNA position 2303, C replaced by G.
Protein change: p.Ser768Trp; replaces serine 768 with tryptophan.
Molecular consequence: missense variant.
Genome position (GRCh38, 1-based): chr12:109,786,743, G>C on the plus strand (C>G on the coding strand, the complement: TRPV4 is on the minus strand). VCF-style: chr12-109786743-G-C. GRCh37 (hg19) VCF-style: chr12-110224548-G-C.
Other names: c.2162C>G, p.Ser721Trp (NM_001177428.2); c.2201C>G, p.Ser734Trp (NM_001177431.2); c.1982C>G, p.Ser661Trp (NM_001177433.2); c.2123C>G, p.Ser708Trp (NM_147204.3); short protein forms S661W, S708W, S721W, S734W, S768W.
Identifiers: ClinVar variation 3769727 (VCV003769727.1).